The following is an entry in ClinVar:

NM_006230.4(POLD2):c.1300A>G (p.Thr434Ala)

Gene: POLD2 (DNA polymerase delta 2, accessory subunit; minus strand). Cytogenetic location: 7p13.
Variant type: single nucleotide variant.
Coding change: c.1300A>G on transcript NM_006230.4 (MANE Select); coding-DNA position 1300, A replaced by G.
Protein change: p.Thr434Ala; replaces threonine 434 with alanine.
Molecular consequence: missense variant.
Genome position (GRCh38, 1-based): chr7:44,114,895, T>C on the plus strand (A>G on the coding strand, the complement: POLD2 is on the minus strand). VCF-style: chr7-44114895-T-C. GRCh37 (hg19) VCF-style: chr7-44154494-T-C.
Other names: c.1300A>G (NM_001127218.1); c.1300A>G, p.Thr434Ala (NM_001127218.3, NM_001256879.2); short protein forms T434A.
Identifiers: ClinVar variation 2071975 (VCV002071975.5), dbSNP rs752757140, ClinGen allele CA4238559.

ClinVar aggregate classification (germline): Uncertain significance. Review status: criteria provided, multiple submitters, no conflicts (2 of 4 stars). 2 submissions from 2 submitters: Uncertain significance (2). Last evaluated 2025-04-24.

Allele frequency attached by ClinVar (database versions not stated): gnomAD exomes 0.00005; TOPMed below 0.00001; gnomAD 0.00001; ExAC 0.00002.

Submissions (2):

Ambry Genetics
Classification: Uncertain significance. Last evaluated: 2025-04-24. Review status: criteria provided, single submitter. Criteria: Ambry Variant Classification Scheme 2023. Collection method: clinical testing. Allele origin: germline.

Labcorp Genetics (formerly Invitae), Labcorp
Classification: Uncertain significance. Last evaluated: 2025-01-29. Review status: criteria provided, single submitter. Criteria: Invitae Variant Classification Sherloc (09022015). Collection method: clinical testing. Allele origin: germline.
Comment: This sequence change replaces threonine, which is neutral and polar, with alanine, which is neutral and non-polar, at codon 469 of the POLD2 protein (p.Thr469Ala). This variant is present in population databases (rs752757140, gnomAD 0.007%). This variant has not been reported in the literature in individuals affected with POLD2-related conditions. ClinVar contains an entry for this variant (Variation ID: 2071975). Experimental studies and prediction algorithms are not available or were not evaluated, and the functional significance of this variant is currently unknown. In summary, the available evidence is currently insufficient to determine the role of this variant in disease. Therefore, it has been classified as a Variant of Uncertain Significance.